The following is an entry in ClinVar:

ClinVar aggregate classification (germline): Uncertain significance (1 of 4 stars; one submission).

Submission:

Ambry Genetics
Classification: Uncertain significance. Last evaluated: 2025-02-07. Review status: criteria provided, single submitter. Criteria: Ambry Variant Classification Scheme 2023. Collection method: clinical testing. Allele origin: germline.
Comment: The c.89A>G (p.H30R) alteration is located in exon (coding exon ) of the SAMD1 gene. This alteration results from a A to G substitution at nucleotide position 89, causing the histidine (H) at amino acid position 30 to be replaced by an arginine (R). Based on insufficient or conflicting evidence, the clinical significance of this alteration remains unclear.

NM_138352.3(SAMD1):c.89A>G (p.His30Arg)

Genes: SAMD1 (sterile alpha motif domain containing 1; minus strand), LOC130063760 (ATAC-STARR-seq lymphoblastoid silent region 10229; plus strand). Cytogenetic location: 19p13.12.
Variant type: single nucleotide variant.
Coding change: c.89A>G on transcript NM_138352.3 (MANE Select); coding-DNA position 89, A replaced by G.
Protein change: p.His30Arg; replaces histidine 30 with arginine.
Molecular consequence: missense variant.
Genome position (GRCh38, 1-based): chr19:14,090,332, T>C on the plus strand (A>G on the coding strand, the complement: SAMD1 is on the minus strand). VCF-style: chr19-14090332-T-C. GRCh37 (hg19) VCF-style: chr19-14201144-T-C.
Other names: short protein forms H30R.
Identifiers: ClinVar variation 3791852 (VCV003791852.1).
Genomic context (GRCh38, chr19:14,090,332, plus strand): 5'-TCCGGCCGCGCCTTGCGCGAGCGCAGCGAGTCGATGGTGTCCAGGATCCACTCTTGGTAG[T>C]GCGGGGAAGCGGCGGACGACGAGGCGGCGGCCGCCGTGGTGGCGGCCGCCGCCGTCTCCG-3'
Protein context (NP_612361.1, residues 20-40): AAASSSAASP[His30Arg]YQEWILDTID